The following is an entry in ClinVar:

NM_014687.4(RUBCN):c.319G>A (p.Glu107Lys)

Gene: RUBCN (rubicon autophagy regulator; minus strand). Cytogenetic location: 3q29.
Variant type: single nucleotide variant.
Coding change: c.319G>A on transcript NM_014687.4 (MANE Select); coding-DNA position 319, G replaced by A.
Protein change: p.Glu107Lys; replaces glutamic acid 107 with lysine.
Molecular consequence: missense variant.
Genome position (GRCh38, 1-based): chr3:197,704,686, C>T on the plus strand (G>A on the coding strand, the complement: RUBCN is on the minus strand). VCF-style: chr3-197704686-C-T. GRCh37 (hg19) VCF-style: chr3-197431557-C-T.
Other names: c.139G>A, p.Glu47Lys (NM_001145642.5); c.319G>A, p.Glu107Lys (NM_001346873.2); short protein forms E107K, E47K.
Identifiers: ClinVar variation 242884 (VCV000242884.4), dbSNP rs1114167292, ClinGen allele CA355665884.

ClinVar aggregate classification (germline): Uncertain significance. Review status: criteria provided, single submitter (1 of 4 stars). 3 submissions from 3 submitters: Uncertain significance (1). 2 of the submissions do not count toward it. Last evaluated 2019-04-29.

Conditions:
Global developmental delay (DD). Also called: Cognitive delay. Identifiers: MedGen C0557874, HP:0001263. Disease mechanism: loss of function.
Hypotonia. Also called: Muscular hypotonia; poor muscle tone. Identifiers: MedGen C0026827, HP:0001252.
Cerebral hypomyelination. Identifiers: MedGen C2677328, HP:0006808.
Knee flexion contracture. Identifiers: MedGen C0409355, HP:0006380.
Elbow flexion contracture. Identifiers: MedGen C0409338, HP:0002987.
Nystagmus. Identifiers: MedGen C0028738, MONDO:0004843, HP:0000639.
Intellectual disability. Also called: Intellectual functioning disability; intellectual disabilities; Intellectual developmental disorder. Identifiers: MedGen C3714756, MeSH D008607, MONDO:0001071, HP:0001249.
Autosomal recessive spinocerebellar ataxia 15. Also called: SALIH ATAXIA. Identifiers: Orphanet 404499, MedGen C3810326, MONDO:0014311, OMIM 615705.

Allele frequency attached by ClinVar (database versions not stated): gnomAD 0.00001; gnomAD exomes 0.00003; TOPMed 0.00001.
gnomAD v4.1: 40 of 1,613,804 alleles (0.0025%); highest among the groups gnomAD compares: Middle Eastern, 0.017%; no homozygotes.

Submissions (3):

GeneDx
Classification: Uncertain significance. Last evaluated: 2019-04-29. Review status: criteria provided, single submitter. Criteria: GeneDx Variant Classification Process June 2021. Collection method: clinical testing. Allele origin: germline. Affected: yes.
Comment: Identified with a second homozygous missense variant in RUBCN in two siblings with developmental delay, intellectual disability, hypotonia, diffuse cortical hypomyelination, contractures of elbows and knees, and nystagmus (Charng et al., 2016); note this variant is referred to as p.Glu107Lys using alternate nomenclature; Not observed in large population cohorts (Lek et al., 2016); In silico analysis, which includes protein predictors and evolutionary conservation, supports that this variant does not alter protein structure/function; Variants in candidate genes are classified as variants of uncertain significance in accordance with ACMG guidelines (Richards et al., 2015); This variant is associated with the following publications: (PMID: 27435318)

Biochemical Molecular Genetic Laboratory, King Abdulaziz Medical City
Classification: Uncertain significance for Autosomal recessive spinocerebellar ataxia 15. Last evaluated: 2019-09-26. Review status: no assertion criteria provided. Collection method: clinical testing. Allele origin: germline. Affected: yes. Not counted in ClinVar's aggregate classification.

Lupski Lab, Baylor-Hopkins CMG, Baylor College of Medicine
Classification: Pathogenic for Global developmental delay; Intellectual disability; Hypotonia; Cerebral hypomyelination; Elbow flexion contracture; Knee flexion contracture; Nystagmus. Last evaluated: 2016-01-10. Review status: no assertion criteria provided. Collection method: research. Allele origin: inherited. Inheritance: Autosomal recessive inheritance. Affected: yes. Observed: 3 variant alleles, 3 homozygotes. Study: The combination of WES, CNV-derived from WES, paralog studies, and GeneMatcher provide potential molecular diagnosis in a cohort from Saudi Arabia. Not counted in ClinVar's aggregate classification.